The following is an entry in ClinVar:

NM_001127898.4(CLCN5):c.478T>C (p.Cys160Arg)

Gene: CLCN5 (chloride voltage-gated channel 5; plus strand). Cytogenetic location: Xp11.23.
Variant type: single nucleotide variant.
Coding change: c.478T>C on transcript NM_001127898.4 (MANE Select); coding-DNA position 478, T replaced by C.
Protein change: p.Cys160Arg; replaces cysteine 160 with arginine.
Molecular consequence: missense variant.
Genome position (GRCh38, 1-based): chrX:50,075,857, T>C. VCF-style: chrX-50075857-T-C. GRCh37 (hg19) VCF-style: chrX-49840512-T-C.
Other names: c.268T>C, p.Cys90Arg (NM_000084.5); c.478T>C, p.Cys160Arg (NM_001127899.4); c.328T>C, p.Cys110Arg (NM_001282163.2); c.268T>C (NM_000084.2); short protein forms C110R, C160R, C90R.
Identifiers: ClinVar variation 3609821 (VCV003609821.3).

ClinVar aggregate classification (germline): Conflicting classifications of pathogenicity. Review status: criteria provided, conflicting classifications (1 of 4 stars). 2 submissions from 2 submitters: Likely pathogenic (1); Uncertain significance (1). Last evaluated 2025-04-10.

Submissions (2):

GeneDx
Classification: Likely pathogenic. Last evaluated: 2025-04-10. Review status: criteria provided, single submitter. Criteria: GeneDx Variant Classification Process June 2021. Collection method: clinical testing. Allele origin: germline. Affected: yes.
Comment: Not observed at significant frequency in large population cohorts (gnomAD); In silico analysis supports that this missense variant has a deleterious effect on protein structure/function; Missense variants in this gene are a common cause of disease and they are underrepresented in the general population; This variant is associated with the following publications: (PMID: 31674016, 35612621, 31328266)

Labcorp Genetics (formerly Invitae), Labcorp
Classification: Uncertain significance. Last evaluated: 2024-05-16. Review status: criteria provided, single submitter. Criteria: Invitae Variant Classification Sherloc (09022015). Collection method: clinical testing. Allele origin: germline.
Comment: This sequence change replaces cysteine, which is neutral and slightly polar, with arginine, which is basic and polar, at codon 90 of the CLCN5 protein (p.Cys90Arg). This variant is not present in population databases (gnomAD no frequency). This missense change has been observed in individual(s) with Dent disease (PMID: 31674016, 35612621). This variant is also known as c.478T>C p.C160R. An algorithm developed to predict the effect of missense changes on protein structure and function (PolyPhen-2) suggests that this variant is likely to be disruptive. This variant disrupts the p.Cys90 amino acid residue in CLCN5. Other variant(s) that disrupt this residue have been observed in individuals with CLCN5-related conditions (PMID: 24081861), which suggests that this may be a clinically significant amino acid residue. In summary, the available evidence is currently insufficient to determine the role of this variant in disease. Therefore, it has been classified as a Variant of Uncertain Significance.

Literature cited by the submitters: PubMed 31674016 (cited by Labcorp Genetics (formerly Invitae), Labcorp); PubMed 35612621 (cited by Labcorp Genetics (formerly Invitae), Labcorp); PubMed 24081861 (cited by Labcorp Genetics (formerly Invitae), Labcorp).